The following is an entry in ClinVar:

NM_001378454.1(ALMS1):c.496C>G (p.Gln166Glu)

Gene: ALMS1 (ALMS1 centrosome and basal body associated protein; plus strand). Cytogenetic location: 2p13.1.
Variant type: single nucleotide variant.
Coding change: c.496C>G on transcript NM_001378454.1 (MANE Select); coding-DNA position 496, C replaced by G.
Protein change: p.Gln166Glu; replaces glutamine 166 with glutamic acid.
Molecular consequence: missense variant.
Genome position (GRCh38, 1-based): chr2:73,419,168, C>G. VCF-style: chr2-73419168-C-G. GRCh37 (hg19) VCF-style: chr2-73646296-C-G.
Other names: c.499C>G, p.Gln167Glu (NM_015120.4); short protein forms Q167E, Q166E.
Identifiers: ClinVar variation 1465814 (VCV001465814.4), dbSNP rs2103701341, ClinGen allele CA347258933.
Genomic context (GRCh38, chr2:73,419,168, plus strand): 5'-TTAACATTTTTCTAGAAAACAGAATCTTGGCATTGTCTTCCTCAAGAAATGGACTCTTCC[C>G]AAACCTTGGATACATCCCAGACTAGGTTTAATGTGAGAACGGAAGATACTGAAGTGACAG-3'
Protein context (NP_001365383.1, residues 156-176): HCLPQEMDSS[Gln166Glu]TLDTSQTRFN

ClinVar aggregate classification (germline): Uncertain significance. Review status: criteria provided, multiple submitters, no conflicts (2 of 4 stars). 2 submissions from 2 submitters: Uncertain significance (2). Last evaluated 2022-09-06.

Conditions:
Alstrom syndrome (ALMS). Identifiers: Orphanet 64, MedGen C0268425, MONDO:0008763, OMIM 203800.

Submissions (2):

Labcorp Genetics (formerly Invitae), Labcorp
Classification: Uncertain significance for Alstrom syndrome. Last evaluated: 2022-09-06. Review status: criteria provided, single submitter. Criteria: Invitae Variant Classification Sherloc (09022015). Collection method: clinical testing. Allele origin: germline.
Comment: This sequence change replaces glutamine, which is neutral and polar, with glutamic acid, which is acidic and polar, at codon 167 of the ALMS1 protein (p.Gln167Glu). This variant is not present in population databases (gnomAD no frequency). This variant has not been reported in the literature in individuals affected with ALMS1-related conditions. ClinVar contains an entry for this variant (Variation ID: 1465814). Experimental studies and prediction algorithms are not available or were not evaluated, and the functional significance of this variant is currently unknown. In summary, the available evidence is currently insufficient to determine the role of this variant in disease. Therefore, it has been classified as a Variant of Uncertain Significance.

Fulgent Genetics
Classification: Uncertain significance for Alstrom syndrome. Last evaluated: 2021-10-18. Review status: criteria provided, single submitter. Criteria: ACMG Guidelines, 2015. Collection method: clinical testing. Allele origin: unknown.